The following is an entry in ClinVar:

NM_182931.3(KMT2E):c.4445A>T (p.His1482Leu)

Gene: KMT2E (lysine methyltransferase 2E (inactive); plus strand). Cytogenetic location: 7q22.3.
Variant type: single nucleotide variant.
Coding change: c.4445A>T on transcript NM_182931.3 (MANE Select); coding-DNA position 4445, A replaced by T.
Protein change: p.His1482Leu; replaces histidine 1482 with leucine.
Molecular consequence: missense variant.
Genome position (GRCh38, 1-based): chr7:105,112,201, A>T. VCF-style: chr7-105112201-A-T. GRCh37 (hg19) VCF-style: chr7-104752648-A-T.
Other names: c.4319A>T, p.His1440Leu (NM_001410908.1); c.4445A>T, p.His1482Leu (NM_018682.4); short protein forms H1440L, H1482L.
Identifiers: ClinVar variation 1806779 (VCV001806779.1), dbSNP rs773849677, ClinGen allele CA368792685.

ClinVar aggregate classification (germline): Uncertain significance (1 of 4 stars; one submission).

gnomAD v4.1: 3 of 1,614,158 alleles (0.00019%); highest among the groups gnomAD compares: African/African-American, 0.004%; no homozygotes.

Submission:

GeneDx
Classification: Uncertain significance. Last evaluated: 2022-06-23. Review status: criteria provided, single submitter. Criteria: GeneDx Variant Classification Process June 2021. Collection method: clinical testing. Allele origin: germline. Affected: yes.
Comment: Not observed at significant frequency in large population cohorts (gnomAD); In silico analysis supports that this missense variant has a deleterious effect on protein structure/function; Has not been previously published as pathogenic or benign to our knowledge